The following is an entry in ClinVar:

ClinVar aggregate classification (germline): Uncertain significance. Review status: criteria provided, multiple submitters, no conflicts (2 of 4 stars). 3 submissions from 3 submitters: Uncertain significance (3). Last evaluated 2025-03-19.

Conditions:
Fanconi anemia (FA). Also called: Fanconi's anemia. Identifiers: Orphanet 84, MedGen C0015625, MeSH D005199, MONDO:0019391.
Fanconi anemia complementation group L (FANCL). Also called: FANCL-Related Fanconi Anemia. Identifiers: Orphanet 84, MedGen C3469528, MONDO:0013566, OMIM 614083.

Allele frequency attached by ClinVar (database versions not stated): ExAC 0.00003; gnomAD 0.00005 and 0.00006; gnomAD exomes 0.00005; TOPMed 0.00005.
gnomAD v4.1: 33 of 1,612,824 alleles (0.002%); highest among the groups gnomAD compares: Middle Eastern, 0.016%; no homozygotes.

Submissions (3):

GeneDx
Classification: Uncertain significance. Last evaluated: 2025-03-19. Review status: criteria provided, single submitter. Criteria: GeneDx Variant Classification Process June 2021. Collection method: clinical testing. Allele origin: germline. Affected: yes.
Comment: In silico analysis indicates that this missense variant does not alter protein structure/function; This variant is associated with the following publications: (PMID: 30995915, 35885997, 39519399, 35893033)

Labcorp Genetics (formerly Invitae), Labcorp
Classification: Uncertain significance for Fanconi anemia. Last evaluated: 2024-12-18. Review status: criteria provided, single submitter. Criteria: Invitae Variant Classification Sherloc (09022015). Collection method: clinical testing. Allele origin: germline.
Comment: This sequence change replaces lysine, which is basic and polar, with asparagine, which is neutral and polar, at codon 96 of the FANCL protein (p.Lys96Asn). This variant is present in population databases (rs770368316, gnomAD 0.01%). This missense change has been observed in individual(s) with aplastic anemia (PMID: 30995915). ClinVar contains an entry for this variant (Variation ID: 408229). Invitae Evidence Modeling of protein sequence and biophysical properties (such as structural, functional, and spatial information, amino acid conservation, physicochemical variation, residue mobility, and thermodynamic stability) indicates that this missense variant is not expected to disrupt FANCL protein function with a negative predictive value of 80%. In summary, the available evidence is currently insufficient to determine the role of this variant in disease. Therefore, it has been classified as a Variant of Uncertain Significance.

Fulgent Genetics
Classification: Uncertain significance for Fanconi anemia complementation group L. Last evaluated: 2024-02-09. Review status: criteria provided, single submitter. Criteria: ACMG Guidelines, 2015. Collection method: clinical testing. Allele origin: germline.

Literature cited by the submitters: PubMed 30995915 (cited by Labcorp Genetics (formerly Invitae), Labcorp).

NM_018062.4(FANCL):c.288G>T (p.Lys96Asn)

Gene: FANCL (FA complementation group L; minus strand). Cytogenetic location: 2p16.1.
Variant type: single nucleotide variant.
Coding change: c.288G>T on transcript NM_018062.4 (MANE Select); coding-DNA position 288, G replaced by T.
Protein change: p.Lys96Asn; replaces lysine 96 with asparagine.
Molecular consequence: missense variant.
Genome position (GRCh38, 1-based): chr2:58,222,028, C>A on the plus strand (G>T on the coding strand, the complement: FANCL is on the minus strand). VCF-style: chr2-58222028-C-A. GRCh37 (hg19) VCF-style: chr2-58449163-C-A.
Other names: c.288G>T, p.Lys96Asn (NM_001114636.2, NM_001374615.1, NM_001410792.1); short protein forms K96N.
Identifiers: ClinVar variation 408229 (VCV000408229.11), dbSNP rs770368316, ClinGen allele CA1670692.